The following is an entry in ClinVar:

NM_025243.4(SLC19A3):c.855G>A (p.Trp285Ter)

Gene: SLC19A3 (solute carrier family 19 member 3; minus strand). Cytogenetic location: 2q36.3.
Variant type: single nucleotide variant.
Coding change: c.855G>A on transcript NM_025243.4 (MANE Select); coding-DNA position 855, G replaced by A.
Protein change: p.Trp285Ter; replaces tryptophan 285 with a stop codon.
Molecular consequence: nonsense.
Genome position (GRCh38, 1-based): chr2:227,698,860, C>T on the plus strand (G>A on the coding strand, the complement: SLC19A3 is on the minus strand). VCF-style: chr2-227698860-C-T. GRCh37 (hg19) VCF-style: chr2-228563576-C-T.
Other names: c.855G>A, p.Trp285Ter (NM_001371411.1, NM_001371412.1); c.843G>A, p.Trp281Ter (NM_001371413.1, NM_001371414.1); short protein forms W285*, W281*.
Identifiers: ClinVar variation 1453971 (VCV001453971.6), dbSNP rs1695551164, ClinGen allele CA350876318.

ClinVar aggregate classification (germline): Pathogenic (1 of 4 stars; one submission).

Conditions:
Biotin-responsive basal ganglia disease (BTBGD). Also called: Thiamine metabolism dysfunction syndrome 2 (biotin- or thiamine-responsive encephalopathy type 2); thiamine-responsive encephalopathy; Thiamine Transporter-2 Deficiency; Thiamine metabolism dysfunction syndrome type 2; THIAMINE METABOLISM DYSFUNCTION SYNDROME 2 (BIOTIN- AND THIAMINE-RESPONSIVE TYPE). Identifiers: Orphanet 199348, Orphanet 65284, MedGen C1843807, MONDO:0011841, OMIM 607483.

Allele frequency attached by ClinVar (database versions not stated): gnomAD 0.00001.
gnomAD v4.1: 1 of 1,614,018 alleles (0.000062%); highest among the groups gnomAD compares: African/African-American, 0.0013%; no homozygotes.

Submission:

Labcorp Genetics (formerly Invitae), Labcorp
Classification: Pathogenic for Biotin-responsive basal ganglia disease. Last evaluated: 2020-12-17. Review status: criteria provided, single submitter. Criteria: Invitae Variant Classification Sherloc (09022015). Collection method: clinical testing. Allele origin: germline.
Comment: For these reasons, this variant has been classified as Pathogenic. Algorithms developed to predict the effect of sequence changes on RNA splicing suggest that this variant may create or strengthen a splice site, but this prediction has not been confirmed by published transcriptional studies. This variant has not been reported in the literature in individuals with SLC19A3-related conditions. This variant is not present in population databases (ExAC no frequency). This sequence change creates a premature translational stop signal (p.Trp285*) in the SLC19A3 gene. It is expected to result in an absent or disrupted protein product. Loss-of-function variants in SLC19A3 are known to be pathogenic (PMID: 23423671, 23482991).

Literature cited by the submitters: PubMed 23423671; PubMed 23482991.